The following is an entry in ClinVar:

ClinVar aggregate classification (germline): Uncertain significance (1 of 4 stars; one submission).

Submission:

GeneDx
Classification: Uncertain significance. Last evaluated: 2024-10-16. Review status: criteria provided, single submitter. Criteria: GeneDx Variant Classification Process June 2021. Collection method: clinical testing. Allele origin: germline. Affected: yes.
Comment: Not observed at significant frequency in large population cohorts (gnomAD); In silico analysis supports that this missense variant has a deleterious effect on protein structure/function; Has not been previously published as pathogenic or benign to our knowledge

NM_001170629.2(CHD8):c.272C>T (p.Thr91Ile)

Gene: CHD8 (chromodomain helicase DNA binding protein 8; minus strand). Cytogenetic location: 14q11.2.
Variant type: single nucleotide variant.
Coding change: c.272C>T on transcript NM_001170629.2 (MANE Select); coding-DNA position 272, C replaced by T.
Protein change: p.Thr91Ile; replaces threonine 91 with isoleucine.
Molecular consequence: missense variant. On other transcripts: intron variant (1).
Genome position (GRCh38, 1-based): chr14:21,431,372, G>A on the plus strand (C>T on the coding strand, the complement: CHD8 is on the minus strand). VCF-style: chr14-21431372-G-A. GRCh37 (hg19) VCF-style: chr14-21899531-G-A.
Other names: c.6+439C>T (NM_020920.4); short protein forms T91I.
Identifiers: ClinVar variation 3781236 (VCV003781236.1).